The following is an entry in ClinVar:

ClinVar aggregate classification (germline): Uncertain significance (1 of 4 stars; one submission).

Conditions:
Hereditary cancer-predisposing syndrome. Also called: Neoplastic Syndromes, Hereditary; Tumor predisposition; Hereditary Cancer Syndrome; Hereditary neoplastic syndrome. Identifiers: Orphanet 140162, MedGen C0027672, MeSH D009386, MONDO:0015356.

Submission:

Labcorp Genetics (formerly Invitae), Labcorp
Classification: Uncertain significance for Hereditary cancer-predisposing syndrome. Last evaluated: 2021-08-31. Review status: criteria provided, single submitter. Criteria: Invitae Variant Classification Sherloc (09022015). Collection method: clinical testing. Allele origin: germline.
Comment: This sequence change falls in intron 2 of the RAD50 gene. It does not directly change the encoded amino acid sequence of the RAD50 protein. It affects a nucleotide within the consensus splice site of the intron. This variant is not present in population databases (ExAC no frequency). This variant has not been reported in the literature in individuals affected with RAD50-related conditions. ClinVar contains an entry for this variant (Variation ID: 457400). Variants that disrupt the consensus splice site are a relatively common cause of aberrant splicing (PMID: 17576681, 9536098). Algorithms developed to predict the effect of sequence changes on RNA splicing suggest that this variant is not likely to affect RNA splicing. In summary, the available evidence is currently insufficient to determine the role of this variant in disease. Therefore, it has been classified as a Variant of Uncertain Significance.

Literature cited by the submitters: PubMed 17576681; PubMed 9536098.

NM_005732.4(RAD50):c.213+5T>C

Gene: RAD50 (RAD50 double strand break repair protein; plus strand). Cytogenetic location: 5q31.1.
Variant type: single nucleotide variant.
Coding change: c.213+5T>C on transcript NM_005732.4 (MANE Select); 5 bases into the intron after coding-DNA position 213, T replaced by C.
Molecular consequence: intron variant.
Genome position (GRCh38, 1-based): chr5:132,559,372, T>C. VCF-style: chr5-132559372-T-C. GRCh37 (hg19) VCF-style: chr5-131895064-T-C.
Identifiers: ClinVar variation 457400 (VCV000457400.6), dbSNP rs1554096795, ClinGen allele CA658657495.